The following is an entry in ClinVar:

NM_007194.4(CHEK2):c.793-2A>G

Gene: CHEK2 (checkpoint kinase 2; minus strand). Cytogenetic location: 22q12.1.
Variant type: single nucleotide variant.
Coding change: c.793-2A>G on transcript NM_007194.4 (MANE Select); the canonical splice acceptor site of the intron before coding-DNA position 793, A replaced by G.
Molecular consequence: splice acceptor variant.
Genome position (GRCh38, 1-based): chr22:28,710,061, T>C on the plus strand (A>G on the coding strand, the complement: CHEK2 is on the minus strand). VCF-style: chr22-28710061-T-C. GRCh37 (hg19) VCF-style: chr22-29106049-T-C.
Other names: c.130-2A>G (NM_001437942.1, NM_001257387.3); c.592-2A>G (NM_001349956.3); c.793-2A>G (NM_145862.3); c.886-2A>G (NM_001438295.1, NM_001438293.1); c.922-2A>G (NM_001438294.1, NM_001005735.3).
Identifiers: ClinVar variation 491642 (VCV000491642.17), dbSNP rs1555920257, ClinGen allele CA411102526.

ClinVar aggregate classification (germline): Pathogenic/Likely pathogenic. Review status: criteria provided, multiple submitters, no conflicts (2 of 4 stars). 5 submissions from 5 submitters: Pathogenic (1); Likely pathogenic (4). Last evaluated 2024-02-28.

Conditions:
Familial cancer of breast. Also called: BREAST CANCER, FAMILIAL; hereditary breast carcinoma; Hereditary breast cancer. Identifiers: Orphanet 227535, MedGen C0346153, MONDO:0016419, OMIM 114480. Disease mechanism: loss of function.
CHEK2-related cancer predisposition (TPDS4). Also called: CHEK2-related cancer susceptibility; TUMOR PREDISPOSITION SYNDROME 4; CANCER PREDISPOSITION SYNDROME, CHEK2-RELATED. Identifiers: Orphanet 524, MedGen C5882668, MONDO:0700271, OMIM 609265.
Bone osteosarcoma. Also called: Osteosarcoma, somatic. Identifiers: Orphanet 668, MedGen C0585442, MONDO:0002629, OMIM 259500.
Familial prostate cancer. Also called: Hereditary Prostate Cancer. Identifiers: MedGen C2931456, MONDO:0700275, OMIM 176807.
Hereditary cancer-predisposing syndrome. Also called: Neoplastic Syndromes, Hereditary; Tumor predisposition; Hereditary Cancer Syndrome; Hereditary neoplastic syndrome. Identifiers: Orphanet 140162, MedGen C0027672, MeSH D009386, MONDO:0015356.

Submissions (5):

Ambry Genetics
Classification: Likely pathogenic for Hereditary cancer-predisposing syndrome. Last evaluated: 2024-02-28. Review status: criteria provided, single submitter. Criteria: Ambry Variant Classification Scheme 2023. Collection method: clinical testing. Allele origin: germline.
Comment: The c.793-2A>G intronic variant results from an A to G substitution two nucleotides upstream from coding exon 6 in the CHEK2 gene. This nucleotide position is highly conserved in available vertebrate species. In silico splice site analysis predicts that this alteration will weaken the native splice acceptor site and will result in the creation or strengthening of a novel splice acceptor site; however, direct evidence is insufficient at this time (Ambry internal data). This variant is considered to be rare based on population cohorts in the Genome Aggregation Database (gnomAD). Alterations that disrupt the canonical splice site are expected to cause aberrant splicing, resulting in an abnormal protein or a transcript that is subject to nonsense-mediated mRNA decay. As such, this alteration is classified as likely pathogenic

Myriad Genetics, Inc.
Classification: Likely pathogenic for Familial cancer of breast. Last evaluated: 2023-06-27. Review status: criteria provided, single submitter. Criteria: Myriad Autosomal Dominant, Autosomal Recessive and X-Linked Classification Criteria (2023). Collection method: clinical testing. Allele origin: unknown.
Comment: This variant is considered likely pathogenic. This variant occurs within a consensus splice junction and is predicted to result in abnormal mRNA splicing of either an out-of-frame exon or an in-frame exon necessary for protein stability and/or normal function.

Labcorp Genetics (formerly Invitae), Labcorp
Classification: Pathogenic for Familial cancer of breast. Last evaluated: 2022-11-15. Review status: criteria provided, single submitter. Criteria: Invitae Variant Classification Sherloc (09022015). Collection method: clinical testing. Allele origin: germline.
Comment: For these reasons, this variant has been classified as Pathogenic. Studies have shown that disruption of this splice site results in activation of a cryptic splice site and introduces a premature termination codon (PMID: 31349801; Invitae). The resulting mRNA is expected to undergo nonsense-mediated decay. ClinVar contains an entry for this variant (Variation ID: 491642). Disruption of this splice site has been observed in individual(s) with breast cancer and prostate cancer (PMID: 26681312, 27751358, 29520813, 31349801; Invitae). It has also been observed to segregate with disease in related individuals. This variant is not present in population databases (gnomAD no frequency). This sequence change affects an acceptor splice site in intron 6 of the CHEK2 gene. RNA analysis indicates that disruption of this splice site induces altered splicing and may result in an absent or disrupted protein product.

Department of Pathology and Laboratory Medicine, Sinai Health System
Classification: Likely pathogenic for Familial prostate cancer; Bone osteosarcoma; CHEK2-related cancer predisposition. Last evaluated: 2020-11-06. Review status: criteria provided, single submitter. Criteria: ACMG Guidelines, 2015. Collection method: clinical testing. Allele origin: germline. Affected: no.

Color Diagnostics, LLC DBA Color Health
Classification: Likely pathogenic for Hereditary cancer-predisposing syndrome. Last evaluated: 2020-09-24. Review status: criteria provided, single submitter. Criteria: ACMG Guidelines, 2015. Collection method: clinical testing. Allele origin: germline.
Comment: This variant causes an A to G nucleotide substitution at the -2 position of intron 6 of the CHEK2 gene. Splice site prediction tools predict that this variant may have a significant impact on RNA splicing. To our knowledge, functional studies have not been reported for this variant. This variant has not been reported in individuals affected with hereditary cancer in the literature. However, two different variants impacting a canonical -1 position at this splice site have been reported as disease-causing in ClinVar (variation ID: 182430, 801161), and one of which has been reported in individuals affected with breast and prostate cancer and shown to impact splicing in carrier RNA (PMID: 26681312, 29520813, 31349801). This variant has not been identified in the general population by the Genome Aggregation Database (gnomAD). Loss of CHEK2 function is a known mechanism of disease. Based on the available evidence, this variant is classified as Likely Pathogenic.

Literature cited by the submitters: PubMed 33471991 (cited by Ambry Genetics); PubMed 31349801 (cited by Labcorp Genetics (formerly Invitae), Labcorp); PubMed 26681312 (cited by Labcorp Genetics (formerly Invitae), Labcorp); PubMed 27751358 (cited by Labcorp Genetics (formerly Invitae), Labcorp); PubMed 29520813 (cited by Labcorp Genetics (formerly Invitae), Labcorp).